The following is an entry in ClinVar:

NM_006420.3(ARFGEF2):c.1958+6T>C

Gene: ARFGEF2 (ARF guanine nucleotide exchange factor 2; plus strand). Cytogenetic location: 20q13.13.
Variant type: single nucleotide variant.
Coding change: c.1958+6T>C on transcript NM_006420.3 (MANE Select); 6 bases into the intron after coding-DNA position 1958, T replaced by C.
Molecular consequence: intron variant.
Genome position (GRCh38, 1-based): chr20:48,976,205, T>C. VCF-style: chr20-48976205-T-C. GRCh37 (hg19) VCF-style: chr20-47592742-T-C.
Identifiers: ClinVar variation 386965 (VCV000386965.2), dbSNP rs770037712, ClinGen allele CA16609041.

ClinVar aggregate classification (germline): Uncertain significance (1 of 4 stars; one submission).

Allele frequency attached by ClinVar (database versions not stated): gnomAD exomes below 0.00001; TOPMed below 0.00001; gnomAD 0.00001.
gnomAD v4.1: 2 of 1,613,080 alleles (0.00012%); highest among the groups gnomAD compares: Non-Finnish European, 0.00017%; no homozygotes.

Submission:

GeneDx
Classification: Uncertain significance. Last evaluated: 2016-06-23. Review status: criteria provided, single submitter. Criteria: GeneDx Variant Classification (06012015). Collection method: clinical testing. Allele origin: germline. Affected: yes.
Comment: The c.1958+6 T>C variant has not been published as a pathogenic variant, nor has it been reported as a benign variant to our knowledge. It was not observed in approximately 6,500 individuals of European and African American ancestry in the NHLBI Exome Sequencing Project, indicating it is not a common benign variant in these populations. Several in-silico splice prediction models predict that c.1958+6 T>C may damage or destroy the natural splice donor site in intron 14 and lead to abnormal gene splicing. However, in the absence of RNA/functional studies, the actual effect of this sequence change is unknown. Therefore, based on the currently available information, it is unclear whether this variant is a pathogenic variant or a rare benign variant.